The following is an entry in ClinVar:

NM_004415.4(DSP):c.329G>C (p.Cys110Ser)

Gene: DSP (desmoplakin; plus strand). Cytogenetic location: 6p24.3.
Variant type: single nucleotide variant.
Coding change: c.329G>C on transcript NM_004415.4 (MANE Select); coding-DNA position 329, G replaced by C.
Protein change: p.Cys110Ser; replaces cysteine 110 with serine.
Molecular consequence: missense variant.
Genome position (GRCh38, 1-based): chr6:7,558,171, G>C. VCF-style: chr6-7558171-G-C. GRCh37 (hg19) VCF-style: chr6-7558404-G-C.
Other names: c.329G>C, p.Cys110Ser (NM_001008844.3, NM_001319034.2, NM_001406591.1); short protein forms C110S.
Identifiers: ClinVar variation 3069834 (VCV003069834.1), dbSNP rs2533849177, ClinGen allele CA362671213.

ClinVar aggregate classification (germline): Uncertain significance (1 of 4 stars; one submission).

Conditions:
Arrhythmogenic cardiomyopathy with wooly hair and keratoderma. Also called: Carvajal syndrome; PALMOPLANTAR KERATODERMA WITH LEFT VENTRICULAR CARDIOMYOPATHY AND WOOLLY HAIR; Dilated cardiomyopathy with woolly hair and keratoderma; Arrhythmogenic cardiomyopathy with woolly hair and keratoderma. Identifiers: Orphanet 65282, MedGen C1854063, MONDO:0011581, OMIM 605676.

Allele frequency attached by ClinVar (database versions not stated): gnomAD exomes below 0.00001.
gnomAD v4.1: 1 of 1,614,218 alleles (0.000062%); highest among the groups gnomAD compares: Non-Finnish European, 0.000085%; no homozygotes.

Submission:

All of Us Research Program, National Institutes of Health
Classification: Uncertain significance for Arrhythmogenic cardiomyopathy with wooly hair and keratoderma. Last evaluated: 2023-03-09. Review status: criteria provided, single submitter. Criteria: ACMG Guidelines, 2015. Collection method: clinical testing. Allele origin: germline. Inheritance: Autosomal dominant inheritance. Observed: 1 variant allele, 1 heterozygote.
Comment: This missense variant replaces cysteine with serine at codon 110 of the DSP protein. Computational prediction suggests that this variant may not impact protein structure and function (internally defined REVEL score threshold <= 0.5, PMID: 27666373). To our knowledge, functional studies have not been reported for this variant. This variant has not been reported in individuals affected with DSP-related disorders in the literature. This variant has not been identified in the general population by the Genome Aggregation Database (gnomAD). The available evidence is insufficient to determine the role of this variant in disease conclusively. Therefore, this variant is classified as a Variant of Uncertain Significance.

This study involves interpretation of variants in research participants for the purpose of population health screening. Participant phenotype was not available at the time of variant classification. Additional details can be found in publication PMID: 35346344, PMCID: PMC8962531